The following is an entry in ClinVar:

ClinVar aggregate classification (germline): Likely benign. Review status: criteria provided, multiple submitters, no conflicts (2 of 4 stars). 2 submissions from 2 submitters: Likely benign (2). Last evaluated 2026-09-02.

Conditions:
MECOM-related disorder. Also called: MECOM-related condition.

gnomAD v4.1: 147 of 1,613,698 alleles (0.0091%); highest among the groups gnomAD compares: Middle Eastern, 0.12%; no homozygotes.

Submissions (2):

PreventionGenetics, part of Exact Sciences
Classification: Likely benign for MECOM-related condition. Last evaluated: 2026-09-02. Review status: criteria provided, single submitter. Criteria: ACMG Guidelines, 2015. Collection method: clinical testing. Allele origin: germline.
Comment: This variant is classified as likely benign based on ACMG/AMP sequence variant interpretation guidelines (Richards et al. 2015 PMID: 25741868, with internal and published modifications).

Blueprint Genetics
Classification: Likely benign. Last evaluated: 2024-09-17. Review status: criteria provided, single submitter. Criteria: ACMG Guidelines, 2015. Collection method: clinical testing. Allele origin: germline.

NM_004991.4(MECOM):c.300C>T (p.Ile100=)

Gene: MECOM (MDS1 and EVI1 complex locus; minus strand). Cytogenetic location: 3q26.2.
Variant type: single nucleotide variant.
Coding change: c.300C>T on transcript NM_004991.4 (MANE Select); coding-DNA position 300, C replaced by T.
Protein change: p.Ile100=; no amino-acid change (isoleucine 100 retained).
Molecular consequence: synonymous variant. On other transcripts: intron variant (1).
Genome position (GRCh38, 1-based): chr3:169,381,262, G>A on the plus strand (C>T on the coding strand, the complement: MECOM is on the minus strand). VCF-style: chr3-169381262-G-A. GRCh37 (hg19) VCF-style: chr3-169099050-G-A.
Other names: c.300C>T, p.Ile100= (NM_001366466.2, NM_001366473.2); c.-189-237430C>T (NM_001205194.2); c.300C>T (NM_004991.3).
Identifiers: ClinVar variation 4964902 (VCV004964902.2).